The following is an entry in ClinVar:

NM_001388453.1(QRICH2):c.2661C>T (p.Asp887=)

Gene: QRICH2 (glutamine rich 2; minus strand). Cytogenetic location: 17q25.1.
Variant type: single nucleotide variant.
Coding change: c.2661C>T on transcript NM_001388453.1 (MANE Select); coding-DNA position 2661, C replaced by T.
Protein change: p.Asp887=; no amino-acid change (aspartic acid 887 retained).
Molecular consequence: synonymous variant.
Genome position (GRCh38, 1-based): chr17:76,292,066, G>A on the plus strand (C>T on the coding strand, the complement: QRICH2 is on the minus strand). VCF-style: chr17-76292066-G-A. GRCh37 (hg19) VCF-style: chr17-74288147-G-A.
Other names: c.2661C>T, p.Asp887= (NM_032134.3).
Identifiers: ClinVar variation 3387995 (VCV003387995.14).

ClinVar aggregate classification (germline): Likely benign (1 of 4 stars; one submission).

Submission:

CeGaT Center for Human Genetics Tuebingen
Classification: Likely benign. Last evaluated: 2024-11-01. Review status: criteria provided, single submitter. Criteria: CeGaT Center For Human Genetics Tuebingen Variant Classification Criteria Version 2. Collection method: clinical testing. Allele origin: germline. Affected: yes. Observed: 1 variant allele.
Comment: QRICH2: BP4, BP7